The following is an entry in ClinVar:

ClinVar aggregate classification (germline): Uncertain significance. Review status: criteria provided, multiple submitters, no conflicts (2 of 4 stars). 2 submissions from 2 submitters: Uncertain significance (2). Last evaluated 2026-04-03.

Conditions:
Hereditary cancer-predisposing syndrome. Also called: Hereditary neoplastic syndrome; Neoplastic Syndromes, Hereditary; Tumor predisposition; Hereditary Cancer Syndrome. Identifiers: Orphanet 140162, MedGen C0027672, MeSH D009386, MONDO:0015356.
Tuberous sclerosis 2 (TSC2). Identifiers: Orphanet 805, MedGen C1860707, MONDO:0013199, OMIM 613254.

Submissions (2):

Ambry Genetics
Classification: Uncertain significance for Hereditary cancer-predisposing syndrome. Last evaluated: 2026-04-03. Review status: criteria provided, single submitter. Criteria: Ambry Variant Classification Scheme 2023. Collection method: clinical testing. Allele origin: germline.
Comment: The p.E1805Q variant (also known as c.5413G>C), located in coding exon 41 of the TSC2 gene, results from a G to C substitution at nucleotide position 5413. The glutamic acid at codon 1805 is replaced by glutamine, an amino acid with highly similar properties. This amino acid position is conserved. In addition, the in silico prediction for this alteration is inconclusive. Based on the available evidence, the clinical significance of this variant remains unclear.

Labcorp Genetics (formerly Invitae), Labcorp
Classification: Uncertain significance for Tuberous sclerosis 2. Last evaluated: 2020-09-30. Review status: criteria provided, single submitter. Criteria: Invitae Variant Classification Sherloc (09022015). Collection method: clinical testing. Allele origin: germline.
Comment: This sequence change replaces glutamic acid with glutamine at codon 1805 of the TSC2 protein (p.Glu1805Gln). The glutamic acid residue is moderately conserved and there is a small physicochemical difference between glutamic acid and glutamine. This variant is not present in population databases (ExAC no frequency). This variant has not been reported in the literature in individuals with TSC2-related conditions. Advanced modeling of protein sequence and biophysical properties (such as structural, functional, and spatial information, amino acid conservation, physicochemical variation, residue mobility, and thermodynamic stability) performed at Invitae indicates that this missense variant is not expected to disrupt TSC2 protein function. In summary, the available evidence is currently insufficient to determine the role of this variant in disease. Therefore, it has been classified as a Variant of Uncertain Significance.

NM_000548.5(TSC2):c.5413G>C (p.Glu1805Gln)

Gene: TSC2 (TSC complex subunit 2; plus strand). Cytogenetic location: 16p13.3.
Variant type: single nucleotide variant.
Coding change: c.5413G>C on transcript NM_000548.5 (MANE Select); coding-DNA position 5413, G replaced by C.
Protein change: p.Glu1805Gln; replaces glutamic acid 1805 with glutamine.
Molecular consequence: missense variant.
Genome position (GRCh38, 1-based): chr16:2,088,599, G>C. VCF-style: chr16-2088599-G-C. GRCh37 (hg19) VCF-style: chr16-2138600-G-C.
Other names: c.5104G>C, p.Glu1702Gln (NM_001318827.2); c.5068G>C, p.Glu1690Gln (NM_001318829.2); c.4681G>C, p.Glu1561Gln (NM_001318831.2); c.5245G>C, p.Glu1749Gln (NM_001318832.2); c.5215G>C, p.Glu1739Gln (NM_001363528.2); c.5281G>C, p.Glu1761Gln (NM_001370404.1); c.5272G>C, p.Glu1758Gln (NM_001370405.1); c.5284G>C, p.Glu1762Gln (NM_021055.3); and 3 more; short protein forms E1561Q, E1690Q, E1702Q, E1738Q, E1739Q, E1749Q, E1758Q, E1761Q.
Identifiers: ClinVar variation 1027245 (VCV001027245.9), dbSNP rs376017665, ClinGen allele CA394316254.
Genomic context (GRCh38, chr16:2,088,599, plus strand): 5'-ACACCTGGCTATGAGGTGGGCCAGCGGAAGCGCCTCATCTCCTCGGTGGAGGACTTCACC[G>C]AGTTTGTGTGAGGCCGGGGCCCTCCCTCCTGCACTGGCCTTGGACGGTATTGCCTGTCAG-3'
Protein context (NP_000539.2, residues 1795-1807): RLISSVEDFT[Glu1805Gln]FV